The following is an entry in ClinVar:

NM_001003841.3(SLC6A19):c.1017-4G>A

Gene: SLC6A19 (solute carrier family 6 member 19; plus strand). Cytogenetic location: 5p15.33.
Variant type: single nucleotide variant.
Coding change: c.1017-4G>A on transcript NM_001003841.3 (MANE Select); 4 bases into the intron before coding-DNA position 1017, G replaced by A.
Molecular consequence: intron variant.
Genome position (GRCh38, 1-based): chr5:1,216,785, G>A. VCF-style: chr5-1216785-G-A. GRCh37 (hg19) VCF-style: chr5-1216900-G-A.
Other names: p.?; IVS7, G-A, -4.
Identifiers: ClinVar variation 2021 (VCV000002021.25), dbSNP rs35329108, ClinGen allele CA3183012.
Genomic context (GRCh38, chr5:1,216,785, plus strand): 5'-GCCTCCAGGAAGCCTCCCAGCCTCCCTGGCCCCAGGTGGCCGTCAGCCTCAATCTGACCC[G>A]CAGGAACATCCTGACCCTCATCAACGGGTTCGACCTGCCTGAAGGCAACGTGACCCAGGA-3'

ClinVar aggregate classification (germline): Benign. Review status: criteria provided, multiple submitters, no conflicts (2 of 4 stars). 13 submissions from 12 submitters: Benign (9). 4 of the submissions do not count toward it. Last evaluated 2026-02-03.

Conditions:
Neutral 1 amino acid transport defect (HND). Also called: HARTNUP DISORDER; Hartnup disease. Identifiers: Orphanet 2116, MedGen C0018609, MONDO:0009324, OMIM 234500.
Iminoglycinuria, digenic. Identifiers: MedGen CN068523.
Hyperglycinuria. Also called: GLYCINURIA WITH OR WITHOUT OXALATE NEPHROLITHIASIS; GLYCINURIA WITH OR WITHOUT OXALATE UROLITHIASIS; IMINOGLYCINURIA TYPE II. Identifiers: MedGen C0543541, MONDO:0007677, OMIM 138500, HP:0003108.

Allele frequency attached by ClinVar (database versions not stated): 1000 Genomes Project 0.21905; 1000 Genomes Project 30x 0.22439; TOPMed 0.24990; gnomAD 0.25295; ESP Exome Variant Server 0.26403.
gnomAD v4.1: 363,562 of 1,613,594 alleles (23%); highest among the groups gnomAD compares: African/African-American, 32%; 42,374 homozygotes.

Submissions (13):

Labcorp Genetics (formerly Invitae), Labcorp
Classification: Benign. Last evaluated: 2026-02-03. Review status: criteria provided, single submitter. Criteria: Invitae Variant Classification Sherloc (09022015). Collection method: clinical testing. Allele origin: germline.

Laboratory of Genetics, Children's Clinical University Hospital Latvia
Classification: Benign. Last evaluated: 2025-02-16. Review status: criteria provided, single submitter. Criteria: ACMG Guidelines, 2015. Collection method: clinical testing. Allele origin: germline. Affected: yes.

Blueprint Genetics
Classification: Benign. Last evaluated: 2024-11-26. Review status: criteria provided, single submitter. Criteria: ACMG Guidelines, 2015. Collection method: clinical testing. Allele origin: germline.

Genomic Medicine Center of Excellence, King Faisal Specialist Hospital and Research Centre
Classification: Benign for Neutral 1 amino acid transport defect. Last evaluated: 2024-04-04. Review status: criteria provided, single submitter. Criteria: ACMG Guidelines, 2015. Collection method: clinical testing. Allele origin: germline.

Mayo Clinic Laboratories, Mayo Clinic
Classification: Benign. Last evaluated: 2023-01-18. Review status: criteria provided, single submitter. Criteria: ACMG Guidelines, 2015. Collection method: clinical testing. Allele origin: germline. Observed: 231 variant alleles.
Comment: BA1, BS2, BP4, BP7

Mendelics
Classification: Benign. Last evaluated: 2022-05-04. Review status: criteria provided, single submitter. Criteria: Mendelics Assertion Criteria 2019. Collection method: clinical testing. Allele origin: germline.

Genome-Nilou Lab
Classification: Benign for Neutral 1 amino acid transport defect. Last evaluated: 2021-07-15. Review status: criteria provided, single submitter. Criteria: ACMG Guidelines, 2015. Collection method: clinical testing. Allele origin: germline. Affected: no.

Genome-Nilou Lab
Classification: Benign for Hyperglycinuria. Last evaluated: 2021-07-15. Review status: criteria provided, single submitter. Criteria: ACMG Guidelines, 2015. Collection method: clinical testing. Allele origin: germline. Affected: no.

Breakthrough Genomics
Classification: Benign. Review status: criteria provided, single submitter. Criteria: ACMG Guidelines, 2015. Collection method: not provided. Allele origin: germline. Inheritance: Autosomal recessive inheritance. Affected: yes.

OMIM
Classification: Benign for RECLASSIFIED - SLC6A19 POLYMORPHISM. Last evaluated: 2008-12-01. Review status: no assertion criteria provided. Collection method: literature only. Allele origin: germline. Not counted in ClinVar's aggregate classification.

Clinical Genetics, Academic Medical Center
Classification: Benign. Review status: no assertion criteria provided. Collection method: clinical testing. Allele origin: germline. Affected: yes. Study: VKGL Data-share Consensus. Not counted in ClinVar's aggregate classification.

Diagnostic Laboratory, Department of Genetics, University Medical Center Groningen
Classification: Benign. Review status: no assertion criteria provided. Collection method: clinical testing. Allele origin: germline. Affected: yes. Study: VKGL Data-share Consensus. Not counted in ClinVar's aggregate classification.

Genome Diagnostics Laboratory, University Medical Center Utrecht
Classification: Benign. Review status: no assertion criteria provided. Collection method: clinical testing. Allele origin: germline. Affected: yes. Study: VKGL Data-share Consensus. Not counted in ClinVar's aggregate classification.

Literature cited by the submitters: PubMed 19033659 (cited by Mayo Clinic Laboratories, Mayo Clinic and OMIM); Hamosh, A. Personal Communication. 2023. Baltimore, Md. (cited by OMIM).